The following is an entry in ClinVar:

NM_000268.4(NF2):c.241-85G>T

Gene: NF2 (NF2, moesin-ezrin-radixin like (MERLIN) tumor suppressor; plus strand). Cytogenetic location: 22q12.2.
Variant type: single nucleotide variant.
Coding change: c.241-85G>T on transcript NM_000268.4 (MANE Select); 85 bases into the intron before coding-DNA position 241, G replaced by T.
Molecular consequence: intron variant.
Genome position (GRCh38, 1-based): chr22:29,639,005, G>T. VCF-style: chr22-29639005-G-T. GRCh37 (hg19) VCF-style: chr22-30034994-G-T.
Other names: c.241-85G>T (NM_016418.5, NM_181832.3, NM_181833.3 and 1 more transcripts); c.240+2129G>T (NM_181829.3); c.115-85G>T (NM_181828.3); c.115-3197G>T (NM_181830.3, NM_181831.3).
Identifiers: ClinVar variation 676985 (VCV000676985.2), dbSNP rs5763378, ClinGen allele CA14937924.

ClinVar aggregate classification (germline): Benign. Review status: criteria provided, multiple submitters, no conflicts (2 of 4 stars). 2 submissions from 2 submitters: Benign (2). Last evaluated 2018-06-15.

Allele frequency attached by ClinVar (database versions not stated): gnomAD 0.32451 and 0.32925; TOPMed 0.32543; 1000 Genomes Project 30x 0.32886; 1000 Genomes Project 0.33407; gnomAD exomes 0.34918.
gnomAD v4.1: 551,720 of 1,588,006 alleles (35%); highest among the groups gnomAD compares: South Asian, 51%; 99,060 homozygotes.

Submissions (2):

GeneDx
Classification: Benign. Last evaluated: 2018-06-15. Review status: criteria provided, single submitter. Criteria: GeneDx Variant Classification (06012015). Collection method: clinical testing. Allele origin: germline. Affected: yes.
Comment: This variant is considered likely benign or benign based on one or more of the following criteria: it is a conservative change, it occurs at a poorly conserved position in the protein, it is predicted to be benign by multiple in silico algorithms, and/or has population frequency not consistent with disease.

Breakthrough Genomics
Classification: Benign. Review status: criteria provided, single submitter. Criteria: ACMG Guidelines, 2015. Collection method: not provided. Allele origin: germline. Inheritance: Autosomal dominant inheritance. Affected: yes.